The following is an entry in ClinVar:

ClinVar aggregate classification (germline): Uncertain significance (1 of 4 stars; one submission).

gnomAD v4.1: 1 of 1,593,400 alleles (0.000063%); highest among the groups gnomAD compares: Non-Finnish European, 0.000086%; no homozygotes.

Submission:

Ambry Genetics
Classification: Uncertain significance. Last evaluated: 2024-01-21. Review status: criteria provided, single submitter. Criteria: Ambry Variant Classification Scheme 2023. Collection method: clinical testing. Allele origin: germline.
Comment: The p.A2410T variant (also known as c.7228G>A), located in coding exon 26 of the POLQ gene, results from a G to A substitution at nucleotide position 7228. The alanine at codon 2410 is replaced by threonine, an amino acid with similar properties. This amino acid position is conserved. In addition, the in silico prediction for this alteration is inconclusive. Since supporting evidence is limited at this time, the clinical significance of this alteration remains unclear.

NM_199420.4(POLQ):c.7228G>A (p.Ala2410Thr)

Gene: POLQ (DNA polymerase theta; minus strand). Cytogenetic location: 3q13.33.
Variant type: single nucleotide variant.
Coding change: c.7228G>A on transcript NM_199420.4 (MANE Select); coding-DNA position 7228, G replaced by A.
Protein change: p.Ala2410Thr; replaces alanine 2410 with threonine.
Molecular consequence: missense variant.
Genome position (GRCh38, 1-based): chr3:121,449,351, C>T on the plus strand (G>A on the coding strand, the complement: POLQ is on the minus strand). VCF-style: chr3-121449351-C-T. GRCh37 (hg19) VCF-style: chr3-121168198-C-T.
Other names: short protein forms A2410T.
Identifiers: ClinVar variation 1757789 (VCV001757789.2), dbSNP rs780536132, ClinGen allele CA354102345.